The following is an entry in ClinVar:

NM_001127222.2(CACNA1A):c.788A>T (p.Asp263Val)

Gene: CACNA1A (calcium voltage-gated channel subunit alpha1 A; minus strand). Cytogenetic location: 19p13.13.
Variant type: single nucleotide variant.
Coding change: c.788A>T on transcript NM_001127222.2 (MANE Select); coding-DNA position 788, A replaced by T.
Protein change: p.Asp263Val; replaces aspartic acid 263 with valine.
Molecular consequence: missense variant.
Genome position (GRCh38, 1-based): chr19:13,359,796, T>A on the plus strand (A>T on the coding strand, the complement: CACNA1A is on the minus strand). VCF-style: chr19-13359796-T-A. GRCh37 (hg19) VCF-style: chr19-13470610-T-A.
Other names: c.788A>T, p.Asp263Val (NM_000068.4, NM_001127221.2, NM_001174080.2 and 1 more transcripts); short protein forms D263V.
Identifiers: ClinVar variation 853256 (VCV000853256.10), dbSNP rs2059070159, ClinGen allele CA404347423.

ClinVar aggregate classification (germline): Uncertain significance (1 of 4 stars; one submission).

Conditions:
Episodic ataxia type 2 (EA2). Also called: ACETAZOLAMIDE-RESPONSIVE HEREDITARY PAROXYSMAL CEREBELLAR ATAXIA; ATAXIA, EPISODIC, WITH NYSTAGMUS; ATAXIA, FAMILIAL PAROXYSMAL; CEREBELLAR ATAXIA, PAROXYSMAL, ACETAZOLAMIDE-RESPONSIVE; CEREBELLOPATHY, HEREDITARY PAROXYSMAL; EPISODIC ATAXIA, NYSTAGMUS-ASSOCIATED. Identifiers: Orphanet 97, MedGen C1720416, MONDO:0007163, OMIM 108500.
Developmental and epileptic encephalopathy, 42 (DEE42A). Also called: DEVELOPMENTAL AND EPILEPTIC ENCEPHALOPATHY 42A; EPILEPTIC ENCEPHALOPATHY, EARLY INFANTILE, 42A; Epileptic encephalopathy, early infantile, 42. Identifiers: MedGen C4310716, MONDO:0014917, OMIM 617106.

Allele frequency attached by ClinVar (database versions not stated): gnomAD exomes below 0.00001.
gnomAD v4.1: 1 of 1,510,052 alleles (0.000066%); highest among the groups gnomAD compares: Admixed American, 0.0021%; no homozygotes.

Submission:

Labcorp Genetics (formerly Invitae), Labcorp
Classification: Uncertain significance for Developmental and epileptic encephalopathy, 42; Episodic ataxia type 2. Last evaluated: 2024-02-01. Review status: criteria provided, single submitter. Criteria: Invitae Variant Classification Sherloc (09022015). Collection method: clinical testing. Allele origin: germline.
Comment: This sequence change replaces aspartic acid, which is acidic and polar, with valine, which is neutral and non-polar, at codon 263 of the CACNA1A protein (p.Asp263Val). This variant is not present in population databases (gnomAD no frequency). This variant has not been reported in the literature in individuals affected with CACNA1A-related conditions. ClinVar contains an entry for this variant (Variation ID: 853256). Advanced modeling of protein sequence and biophysical properties (such as structural, functional, and spatial information, amino acid conservation, physicochemical variation, residue mobility, and thermodynamic stability) has been performed at Invitae for this missense variant, however the output from this modeling did not meet the statistical confidence thresholds required to predict the impact of this variant on CACNA1A protein function. In summary, the available evidence is currently insufficient to determine the role of this variant in disease. Therefore, it has been classified as a Variant of Uncertain Significance.